The following is an entry in ClinVar:

ClinVar aggregate classification (germline): Uncertain significance (1 of 4 stars; one submission).

Submission:

GeneDx
Classification: Uncertain significance. Last evaluated: 2024-12-14. Review status: criteria provided, single submitter. Criteria: GeneDx Variant Classification Process June 2021. Collection method: clinical testing. Allele origin: germline. Affected: yes.
Comment: Has not been previously published as pathogenic or benign to our knowledge; Not observed at significant frequency in large population cohorts (gnomAD); In silico analysis indicates that this missense variant does not alter protein structure/function

NM_002025.4(AFF2):c.2969C>T (p.Ala990Val)

Gene: AFF2 (ALF transcription elongation factor 2; plus strand). Cytogenetic location: Xq28.
Variant type: single nucleotide variant.
Coding change: c.2969C>T on transcript NM_002025.4 (MANE Select); coding-DNA position 2969, C replaced by T.
Protein change: p.Ala990Val; replaces alanine 990 with valine.
Molecular consequence: missense variant.
Genome position (GRCh38, 1-based): chrX:148,966,845, C>T. VCF-style: chrX-148966845-C-T. GRCh37 (hg19) VCF-style: chrX-148048375-C-T.
Other names: c.2864C>T, p.Ala955Val (NM_001169122.2, NM_001169124.2); c.2939C>T, p.Ala980Val (NM_001169123.2); c.2852C>T, p.Ala951Val (NM_001169125.2); c.1892C>T, p.Ala631Val (NM_001170628.1); short protein forms A631V, A951V, A955V, A980V, A990V.
Identifiers: ClinVar variation 3906600 (VCV003906600.1).